The following is an entry in ClinVar:

NM_005144.5(HR):c.3339C>A (p.Pro1113=)

Gene: HR (HR lysine demethylase and nuclear receptor corepressor; minus strand). Cytogenetic location: 8p21.3.
Variant type: single nucleotide variant.
Coding change: c.3339C>A on transcript NM_005144.5 (MANE Select); coding-DNA position 3339, C replaced by A.
Protein change: p.Pro1113=; no amino-acid change (proline 1113 retained).
Molecular consequence: synonymous variant. On other transcripts: intron variant (1).
Genome position (GRCh38, 1-based): chr8:22,116,914, G>T on the plus strand (C>A on the coding strand, the complement: HR is on the minus strand). VCF-style: chr8-22116914-G-T. GRCh37 (hg19) VCF-style: chr8-21974427-G-T.
Other names: c.3214-486C>A (NM_018411.4).
Identifiers: ClinVar variation 362477 (VCV000362477.17), dbSNP rs112173147, ClinGen allele CA4661807.

ClinVar aggregate classification (germline): Benign/Likely benign. Review status: criteria provided, multiple submitters, no conflicts (2 of 4 stars). 7 submissions from 6 submitters: Benign (5); Likely benign (1). 1 of the submissions does not count toward it. Last evaluated 2026-01-28.

Conditions:
Atrichia with papular lesions (APL). Also called: PAPULAR ATRICHIA. Identifiers: Orphanet 86819, MedGen C1859592, MONDO:0008847, OMIM 209500.
HR-related disorder. Also called: HR-related disorders; HR-related condition. Identifiers: MedGen CN239293.
Alopecia universalis congenita (ALUNC). Also called: ATRICHIA, GENERALIZED. Identifiers: Orphanet 701, MedGen C1859877, MONDO:0008757, OMIM 203655.

Allele frequency attached by ClinVar (database versions not stated): 1000 Genomes Project 0.03574; 1000 Genomes Project 30x 0.03576; ESP Exome Variant Server 0.04992; TOPMed 0.05519.
gnomAD v4.1: 119,718 of 1,559,404 alleles (7.7%); highest among the groups gnomAD compares: Middle Eastern, 9.3%; 5,101 homozygotes.

Submissions (7):

Labcorp Genetics (formerly Invitae), Labcorp
Classification: Benign. Last evaluated: 2026-01-28. Review status: criteria provided, single submitter. Criteria: Invitae Variant Classification Sherloc (09022015). Collection method: clinical testing. Allele origin: germline.

Blueprint Genetics
Classification: Likely benign. Last evaluated: 2024-11-27. Review status: criteria provided, single submitter. Criteria: ACMG Guidelines, 2015. Collection method: clinical testing. Allele origin: germline.

GeneDx
Classification: Benign. Last evaluated: 2021-06-09. Review status: criteria provided, single submitter. Criteria: GeneDx Variant Classification Process June 2021. Collection method: clinical testing. Allele origin: germline. Affected: yes.

Illumina Laboratory Services, Illumina
Classification: Benign for Alopecia universalis congenita. Last evaluated: 2018-01-12. Review status: criteria provided, single submitter. Criteria: ICSL Variant Classification Criteria 13 December 2019. Collection method: clinical testing. Allele origin: germline.
Comment: This variant was observed in the ICSL laboratory as part of a predisposition screen in an ostensibly healthy population. It had not been previously curated by ICSL or reported in the Human Gene Mutation Database (HGMD: prior to June 1st, 2018), and was therefore a candidate for classification through an automated scoring system. Utilizing variant allele frequency, disease prevalence and penetrance estimates, and inheritance mode, an automated score was calculated to assess if this variant is too frequent to cause the disease. Based on the score and internal cut-off values, a variant classified as benign is not then subjected to further curation. The score for this variant resulted in a classification of benign for this disease.

Illumina Laboratory Services, Illumina
Classification: Benign for Atrichia with papular lesions. Last evaluated: 2018-01-12. Review status: criteria provided, single submitter. Criteria: ICSL Variant Classification Criteria 13 December 2019. Collection method: clinical testing. Allele origin: germline.
Comment: the same text as in the submission from Illumina Laboratory Services, Illumina above.

Breakthrough Genomics
Classification: Benign. Review status: criteria provided, single submitter. Criteria: ACMG Guidelines, 2015. Collection method: not provided. Allele origin: germline. Inheritance: Autosomal recessive inheritance. Affected: yes.

PreventionGenetics, part of Exact Sciences
Classification: Benign for HR-related condition. Last evaluated: 2019-12-06. Review status: no assertion criteria provided. Collection method: clinical testing. Allele origin: germline. Not counted in ClinVar's aggregate classification.
Comment: This variant is classified as benign based on ACMG/AMP sequence variant interpretation guidelines (Richards et al. 2015 PMID: 25741868, with internal and published modifications).